The following is an entry in ClinVar:

ClinVar aggregate classification (germline): Uncertain significance (1 of 4 stars; one submission).

Conditions:
Polyhydramnios, megalencephaly, and symptomatic epilepsy (PMSE). Also called: PMSE SYNDROME. Identifiers: Orphanet 500533, MedGen C1970203, MONDO:0012611, OMIM 611087.

Allele frequency attached by ClinVar (database versions not stated): TOPMed 0.00001; gnomAD 0.00004 and 0.00005.

Submission:

Labcorp Genetics (formerly Invitae), Labcorp
Classification: Uncertain significance for Polyhydramnios, megalencephaly, and symptomatic epilepsy. Last evaluated: 2024-02-19. Review status: criteria provided, single submitter. Criteria: Invitae Variant Classification Sherloc (09022015). Collection method: clinical testing. Allele origin: germline.
Comment: This sequence change replaces glutamic acid, which is acidic and polar, with lysine, which is basic and polar, at codon 392 of the STRADA protein (p.Glu392Lys). This variant is present in population databases (rs774402517, gnomAD 0.03%). This variant has not been reported in the literature in individuals affected with STRADA-related conditions. ClinVar contains an entry for this variant (Variation ID: 1010891). An algorithm developed to predict the effect of missense changes on protein structure and function (PolyPhen-2) suggests that this variant is likely to be tolerated. In summary, the available evidence is currently insufficient to determine the role of this variant in disease. Therefore, it has been classified as a Variant of Uncertain Significance.

NM_001003787.4(STRADA):c.1174G>A (p.Glu392Lys)

Gene: STRADA (STE20 related adaptor alpha; minus strand). Cytogenetic location: 17q23.3.
Variant type: single nucleotide variant.
Coding change: c.1174G>A on transcript NM_001003787.4 (MANE Select); coding-DNA position 1174, G replaced by A.
Protein change: p.Glu392Lys; replaces glutamic acid 392 with lysine.
Molecular consequence: missense variant. On other transcripts: 3 prime UTR variant (6), non-coding transcript variant (1).
Genome position (GRCh38, 1-based): chr17:63,703,721, C>T on the plus strand (G>A on the coding strand, the complement: STRADA is on the minus strand). VCF-style: chr17-63703721-C-T. GRCh37 (hg19) VCF-style: chr17-61781081-C-T.
Other names: c.1063G>A, p.Glu355Lys (NM_001003786.3); c.1000G>A, p.Glu334Lys (NM_001003788.3); c.*51G>A (NM_001165969.2, NM_001165970.2, NM_001363788.1 and 2 more transcripts); c.1150G>A, p.Glu384Lys (NM_001363786.1); c.1087G>A, p.Glu363Lys (NM_001363787.1); c.866G>A, p.Arg289Gln (NM_001363790.1); c.*562G>A (NM_153335.6); short protein forms E334K, E355K, E363K, E384K, E392K, R289Q.
Identifiers: ClinVar variation 1010891 (VCV001010891.6), dbSNP rs774402517, ClinGen allele CA292940715.
Genomic context (GRCh38, chr17:63,703,721, plus strand): 5'-TGTGGTCCTGAGACTGGCTGCCCTCAAAATTGGTGATGGGGGTGACAGGACGAAGCAATT[C>T]GGGCAAAGCCTCTGAGGCACGTCGCTTGATCTGGGGGAGAAGAGAGAGGTGGGTGACAGA-3'
Protein context (NP_001003787.1, residues 382-402): IKRRASEALP[Glu392Lys]LLRPVTPITN